The following is an entry in ClinVar:

NM_000784.4(CYP27A1):c.1477-2del

Gene: CYP27A1 (cytochrome P450 family 27 subfamily A member 1; plus strand). Cytogenetic location: 2q35.
Variant type: Deletion.
Coding change: c.1477-2del on transcript NM_000784.4 (MANE Select); the canonical splice acceptor site of the intron before coding-DNA position 1477, one base deleted (A; older notation c.1477-2delA).
Molecular consequence: splice acceptor variant.
Genome position (GRCh38, 1-based): chr2:218,814,909, A deleted. VCF-style (leftmost placement, unchanged base first): chr2-218814908-CA-C. GRCh37 (hg19) VCF-style: chr2-219679631-CA-C.
Other names: c.1477-2delA (NM_000784.4).
Identifiers: ClinVar variation 4856412 (VCV004856412.1).

ClinVar aggregate classification (germline): Pathogenic (1 of 4 stars; one submission).

Conditions:
Cholestanol storage disease (CTX). Also called: CEREBRAL CHOLESTERINOSIS; Cerebrotendinous Xanthomatosis; CTX: Cerebrotendinous xanthomatosis. Identifiers: Orphanet 909, MedGen C0238052, MONDO:0008948, OMIM 213700.

Submission:

Gansu Provincial Maternity and Child Care Hospital
Classification: Pathogenic for Cholestanol storage disease. Last evaluated: 2026-06-02. Review status: criteria provided, single submitter. Criteria: ACMG Guidelines, 2015. Collection method: clinical testing. Allele origin: maternal. Inheritance: Autosomal recessive inheritance. Affected: yes.
Comment: c.1477-2delA variant is a canonical - 2 splice sites variant (PVS1). This site is not recorded in the gnomAD database (PM2_supporting).For recessive disorders, detected in trans with a pathogenic variant(PM3).This variant is classified as pathogenic.